The following is an entry in ClinVar:

NM_007294.4(BRCA1):c.5407-8G>T

Gene: BRCA1 (BRCA1 DNA repair associated; minus strand). Cytogenetic location: 17q21.31.
Variant type: single nucleotide variant.
Coding change: c.5407-8G>T on transcript NM_007294.4 (MANE Select); 8 bases into the intron before coding-DNA position 5407, G replaced by T.
Molecular consequence: intron variant.
Genome position (GRCh38, 1-based): chr17:43,047,711, C>A on the plus strand (G>T on the coding strand, the complement: BRCA1 is on the minus strand). VCF-style: chr17-43047711-C-A. GRCh37 (hg19) VCF-style: chr17-41199728-C-A.
Other names: c.5401-8G>T (NM_001407630.1, NM_001407633.1, NM_001407642.1 and 13 more transcripts); c.5404-8G>T (NM_001407615.1, NM_001407625.1, NM_001407619.1 and 14 more transcripts); c.5467-8G>T (NM_001407591.1, NM_001407590.1); c.1972-8G>T (NM_001408441.1, NM_001408437.1, NM_001408442.1 and 10 more transcripts); c.1975-8G>T (NM_001408429.1, NM_001408426.1, NM_001408430.1 and 4 more transcripts); c.5278-8G>T (NM_001407683.1, NM_001407684.1, NM_001407686.1 and 6 more transcripts); c.5281-8G>T (NM_001407674.1, NM_001407677.1, NM_001407671.1 and 8 more transcripts); c.5207-8G>T (NM_001407939.1, NM_001407940.1); and 83 more.
Identifiers: ClinVar variation 639716 (VCV000639716.12), dbSNP rs1597799650, ClinGen allele CA915950031.
Genomic context (GRCh38, chr17:43,047,711, plus strand): 5'-CCATTGTCCTCTGTCCAGGCATCTGGCTGCACAACCACAATTGGGTGGACACCCTGGATC[C>A]CCAGGAAGGAAAGAGCATTCAAAGTGTCAAAGTAGGACTACTGGAACTGTCACTTCATCA-3'

ClinVar aggregate classification (germline): Likely benign (1 of 4 stars; one submission).

Conditions:
Hereditary breast ovarian cancer syndrome. Also called: Hereditary breast and ovarian cancer syndrome (HBOC); Hereditary breast and ovarian cancer; BRCA1- and BRCA2-Associated Hereditary Breast and Ovarian Cancer; Breast and ovarian cancer; Hereditary breast and ovarian cancer syndrome; Hereditary breast and/or ovarian cancer syndrome. Identifiers: Orphanet 145, MedGen C0677776, MeSH D061325, MONDO:0003582. Disease mechanism: loss of function.

Allele frequency attached by ClinVar (database versions not stated): TOPMed below 0.00001.

Submissions (2):

Labcorp Genetics (formerly Invitae), Labcorp
Classification: Likely benign for Hereditary breast ovarian cancer syndrome. Last evaluated: 2024-05-06. Review status: criteria provided, single submitter. Criteria: Invitae Variant Classification Sherloc (09022015). Collection method: clinical testing. Allele origin: germline.

Brotman Baty Institute, University of Washington
No classification provided (evidence only). Condition: Breast-ovarian cancer, familial 1. Review status: no classification provided. Collection method: in vitro. Allele origin: not applicable. Functional consequence: function_uncertain_variant. Not counted in ClinVar's aggregate classification.
ClinVar note: "not provided" was previously submitted as the classification for the variant. However, the classification appeared to be based only on an observation of functional data so it was converted to no classification on 2025-07-30.